The following is an entry in ClinVar:

ClinVar aggregate classification (germline): Uncertain significance (1 of 4 stars; one submission).

Conditions:
Arterial tortuosity syndrome (ATORS). Identifiers: Orphanet 3342, MedGen C1859726, MONDO:0008818, OMIM 208050.

Submission:

Labcorp Genetics (formerly Invitae), Labcorp
Classification: Uncertain significance for Arterial tortuosity syndrome. Last evaluated: 2020-10-29. Review status: criteria provided, single submitter. Criteria: Invitae Variant Classification Sherloc (09022015). Collection method: clinical testing. Allele origin: germline.
Comment: Advanced modeling of protein sequence and biophysical properties (such as structural, functional, and spatial information, amino acid conservation, physicochemical variation, residue mobility, and thermodynamic stability) performed at Invitae indicates that this missense variant is expected to disrupt SLC2A10 protein function. In summary, the available evidence is currently insufficient to determine the role of this variant in disease. Therefore, it has been classified as a Variant of Uncertain Significance. This variant has not been reported in the literature in individuals with SLC2A10-related conditions. This variant is not present in population databases (ExAC no frequency). This sequence change replaces glycine with aspartic acid at codon 73 of the SLC2A10 protein (p.Gly73Asp). The glycine residue is highly conserved and there is a moderate physicochemical difference between glycine and aspartic acid.

NM_030777.4(SLC2A10):c.218G>A (p.Gly73Asp)

Gene: SLC2A10 (solute carrier family 2 member 10; plus strand). Cytogenetic location: 20q13.12.
Variant type: single nucleotide variant.
Coding change: c.218G>A on transcript NM_030777.4 (MANE Select); coding-DNA position 218, G replaced by A.
Protein change: p.Gly73Asp; replaces glycine 73 with aspartic acid.
Molecular consequence: missense variant.
Genome position (GRCh38, 1-based): chr20:46,725,254, G>A. VCF-style: chr20-46725254-G-A. GRCh37 (hg19) VCF-style: chr20-45353893-G-A.
Other names: short protein forms G73D.
Identifiers: ClinVar variation 1001321 (VCV001001321.9), dbSNP rs1979819377, ClinGen allele CA409266586.